The following is an entry in ClinVar:

NM_002661.5(PLCG2):c.3398G>A (p.Arg1133His)

Gene: PLCG2 (phospholipase C gamma 2; plus strand). Cytogenetic location: 16q23.3.
Variant type: single nucleotide variant.
Coding change: c.3398G>A on transcript NM_002661.5 (MANE Select); coding-DNA position 3398, G replaced by A.
Protein change: p.Arg1133His; replaces arginine 1133 with histidine.
Molecular consequence: missense variant.
Genome position (GRCh38, 1-based): chr16:81,939,976, G>A. VCF-style: chr16-81939976-G-A. GRCh37 (hg19) VCF-style: chr16-81973581-G-A.
Other names: c.3398G>A, p.Arg1133His (NM_001425749.1, NM_001425750.1, NM_001425751.1); short protein forms R1133H.
Identifiers: ClinVar variation 3667683 (VCV003667683.3).

ClinVar aggregate classification (germline): Uncertain significance. Review status: criteria provided, multiple submitters, no conflicts (2 of 4 stars). 2 submissions from 2 submitters: Uncertain significance (2). Last evaluated 2025-09-25.

Conditions:
Familial cold autoinflammatory syndrome 3 (FCAS3). Also called: FAMILIAL ATYPICAL COLD URTICARIA; ANTIBODY DEFICIENCY AND IMMUNE DYSREGULATION, PLCG2-ASSOCIATED. Identifiers: Orphanet 300359, MedGen C3280914, MONDO:0013766, OMIM 614468.
Inborn genetic diseases. Identifiers: MedGen C0950123, MeSH D030342.

Submissions (2):

Ambry Genetics
Classification: Uncertain significance for Inborn genetic diseases. Last evaluated: 2025-09-25. Review status: criteria provided, single submitter. Criteria: Ambry Variant Classification Scheme 2023. Collection method: clinical testing. Allele origin: germline.

Labcorp Genetics (formerly Invitae), Labcorp
Classification: Uncertain significance for Familial cold autoinflammatory syndrome 3. Last evaluated: 2024-08-28. Review status: criteria provided, single submitter. Criteria: Invitae Variant Classification Sherloc (09022015). Collection method: clinical testing. Allele origin: germline.
Comment: This sequence change replaces arginine, which is basic and polar, with histidine, which is basic and polar, at codon 1133 of the PLCG2 protein (p.Arg1133His). This variant is present in population databases (no rsID available, gnomAD 0.007%). This variant has not been reported in the literature in individuals affected with PLCG2-related conditions. An algorithm developed to predict the effect of missense changes on protein structure and function (PolyPhen-2) suggests that this variant is likely to be disruptive. In summary, the available evidence is currently insufficient to determine the role of this variant in disease. Therefore, it has been classified as a Variant of Uncertain Significance.